The following is an entry in ClinVar:

NM_130837.3(OPA1):c.1935+16T>G

Gene: OPA1 (OPA1 mitochondrial dynamin like GTPase; plus strand). Cytogenetic location: 3q29.
Variant type: single nucleotide variant.
Coding change: c.1935+16T>G on transcript NM_130837.3 (MANE Select); 16 bases into the intron after coding-DNA position 1935, T replaced by G.
Molecular consequence: intron variant.
Genome position (GRCh38, 1-based): chr3:193,648,150, T>G. VCF-style: chr3-193648150-T-G. GRCh37 (hg19) VCF-style: chr3-193365939-T-G.
Other names: p.?; c.1398+16T>G (NM_001354664.2); c.1401+16T>G (NM_001354663.2); c.1824+16T>G (NM_130834.3); c.1881+16T>G (NM_130836.3); c.1770+16T>G (NM_015560.3); c.1827+16T>G (NM_130835.3); c.1716+16T>G (NM_130832.3); and 2 more.
Identifiers: ClinVar variation 95714 (VCV000095714.16), dbSNP rs9831772, ClinGen allele CA285706.
Genomic context (GRCh38, chr3:193,648,150, plus strand): 5'-ACTGAATGGAAGAATAACTATCCTCGCCTGCGGGAACTTGACCGGGTAATATTTGGATAC[T>G]CGTGTATTTTGTATATATCTTAATTTAATGTTGTTTGCTAACTAAATTTATGTTGAGAGA-3'

ClinVar aggregate classification (germline): Benign. Review status: criteria provided, multiple submitters, no conflicts (2 of 4 stars). 7 submissions from 7 submitters: Benign (7). Last evaluated 2026-02-04.

Allele frequency attached by ClinVar (database versions not stated): ESP Exome Variant Server 0.07013; gnomAD 0.07649 and 0.07743; TOPMed 0.07661; 1000 Genomes Project 30x 0.07901; 1000 Genomes Project 0.08087; ExAC 0.08712; gnomAD exomes 0.08909.
gnomAD v4.1: 123,704 of 1,569,684 alleles (7.9%); highest among the groups gnomAD compares: Admixed American, 14%; 5,293 homozygotes.

Submissions (7):

Labcorp Genetics (formerly Invitae), Labcorp
Classification: Benign. Last evaluated: 2026-02-04. Review status: criteria provided, single submitter. Criteria: Invitae Variant Classification Sherloc (09022015). Collection method: clinical testing. Allele origin: germline.

Blueprint Genetics
Classification: Benign. Last evaluated: 2024-11-26. Review status: criteria provided, single submitter. Criteria: ACMG Guidelines, 2015. Collection method: clinical testing. Allele origin: germline.

Mayo Clinic Laboratories, Mayo Clinic
Classification: Benign. Last evaluated: 2021-04-01. Review status: criteria provided, single submitter. Criteria: ACMG Guidelines, 2015. Collection method: clinical testing. Allele origin: germline. Observed: 12 variant alleles.

Eurofins Ntd Llc (ga)
Classification: Benign. Last evaluated: 2016-02-05. Review status: criteria provided, single submitter. Criteria: EGL Classification Definitions 2015. Collection method: clinical testing. Allele origin: germline. Observed: 59 variant alleles, 57 heterozygotes, 2 homozygotes.

GeneDx
Classification: Benign. Last evaluated: 2011-07-07. Review status: criteria provided, single submitter. Criteria: GeneDx Variant Classification (06012015). Collection method: clinical testing. Allele origin: germline. Affected: yes.
Comment: This variant is considered likely benign or benign based on one or more of the following criteria: it is a conservative change, it occurs at a poorly conserved position in the protein, it is predicted to be benign by multiple in silico algorithms, and/or has population frequency not consistent with disease.

Breakthrough Genomics
Classification: Benign. Review status: criteria provided, single submitter. Criteria: ACMG Guidelines, 2015. Collection method: not provided. Allele origin: germline. Inheritance: Autosomal recessive inheritance. Affected: yes.

PreventionGenetics, part of Exact Sciences
Classification: Benign. Review status: criteria provided, single submitter. Criteria: ACMG Guidelines, 2015. Collection method: clinical testing. Allele origin: germline.